The following is an entry in ClinVar:

ClinVar aggregate classification (germline): Uncertain significance (1 of 4 stars; one submission).

gnomAD v4.1: 2 of 1,613,976 alleles (0.00012%); highest among the groups gnomAD compares: East Asian, 0.0022%; no homozygotes.

Submission:

Labcorp Genetics (formerly Invitae), Labcorp
Classification: Uncertain significance. Last evaluated: 2025-12-10. Review status: criteria provided, single submitter. Criteria: Invitae Variant Classification Sherloc (09022015). Collection method: clinical testing. Allele origin: germline.
Comment: This sequence change replaces leucine, which is neutral and non-polar, with phenylalanine, which is neutral and non-polar, at codon 207 of the SLC10A2 protein (p.Leu207Phe). This variant is present in population databases (rs751707161, gnomAD 0.006%). This variant has not been reported in the literature in individuals affected with SLC10A2-related conditions. Invitae Evidence Modeling of protein sequence and biophysical properties (such as structural, functional, and spatial information, amino acid conservation, physicochemical variation, residue mobility, and thermodynamic stability) indicates that this missense variant is not expected to disrupt SLC10A2 protein function with a negative predictive value of 80%. In summary, the available evidence is currently insufficient to determine the role of this variant in disease. Therefore, it has been classified as a Variant of Uncertain Significance.

NM_000452.3(SLC10A2):c.619C>T (p.Leu207Phe)

Gene: SLC10A2 (solute carrier family 10 member 2; minus strand). Cytogenetic location: 13q33.1.
Variant type: single nucleotide variant.
Coding change: c.619C>T on transcript NM_000452.3 (MANE Select); coding-DNA position 619, C replaced by T.
Protein change: p.Leu207Phe; replaces leucine 207 with phenylalanine.
Molecular consequence: missense variant.
Genome position (GRCh38, 1-based): chr13:103,051,399, G>A on the plus strand (C>T on the coding strand, the complement: SLC10A2 is on the minus strand). VCF-style: chr13-103051399-G-A. GRCh37 (hg19) VCF-style: chr13-103703749-G-A.
Other names: short protein forms L207F.
Identifiers: ClinVar variation 4810004 (VCV004810004.1).